The following is an entry in ClinVar:

NM_024685.4(BBS10):c.879G>A (p.Lys293=)

Gene: BBS10 (Bardet-Biedl syndrome 10; minus strand). Cytogenetic location: 12q21.2.
Variant type: single nucleotide variant.
Coding change: c.879G>A on transcript NM_024685.4 (MANE Select); coding-DNA position 879, G replaced by A.
Protein change: p.Lys293=; no amino-acid change (lysine 293 retained).
Molecular consequence: synonymous variant.
Genome position (GRCh38, 1-based): chr12:76,347,106, C>T on the plus strand (G>A on the coding strand, the complement: BBS10 is on the minus strand). VCF-style: chr12-76347106-C-T. GRCh37 (hg19) VCF-style: chr12-76740886-C-T.
Other names: c.879G>A (NM_024685.3).
Identifiers: ClinVar variation 1639407 (VCV001639407.10), dbSNP rs2136090790, ClinGen allele CA481011717.

ClinVar aggregate classification (germline): Likely benign. Review status: criteria provided, multiple submitters, no conflicts (2 of 4 stars). 3 submissions from 3 submitters: Likely benign (2). 1 of the submissions does not count toward it. Last evaluated 2024-02-22.

Conditions:
Bardet-Biedl syndrome (BBS). Identifiers: Orphanet 110, MedGen C0752166, MONDO:0015229.
BBS10-related disorder. Also called: BBS10-related condition.

gnomAD v4.1: 3 of 1,612,548 alleles (0.00019%); highest among the groups gnomAD compares: Non-Finnish European, 0.00025%; no homozygotes.

Submissions (3):

Labcorp Genetics (formerly Invitae), Labcorp
Classification: Likely benign for Bardet-Biedl syndrome. Last evaluated: 2024-02-22. Review status: criteria provided, single submitter. Criteria: Invitae Variant Classification Sherloc (09022015). Collection method: clinical testing. Allele origin: germline.

Blueprint Genetics
Classification: Likely benign. Last evaluated: 2021-06-01. Review status: criteria provided, single submitter. Criteria: ACMG Guidelines, 2015. Collection method: clinical testing. Allele origin: germline.

PreventionGenetics, part of Exact Sciences
Classification: Likely benign for BBS10-related condition. Last evaluated: 2023-02-22. Review status: no assertion criteria provided. Collection method: clinical testing. Allele origin: germline. Not counted in ClinVar's aggregate classification.
Comment: This variant is classified as likely benign based on ACMG/AMP sequence variant interpretation guidelines (Richards et al. 2015 PMID: 25741868, with internal and published modifications).